The following is an entry in ClinVar:

ClinVar aggregate classification (germline): Uncertain significance (1 of 4 stars; one submission).

Conditions:
Hereditary cancer-predisposing syndrome. Also called: Hereditary Cancer Syndrome; Neoplastic Syndromes, Hereditary; Tumor predisposition; Hereditary neoplastic syndrome. Identifiers: Orphanet 140162, MedGen C0027672, MeSH D009386, MONDO:0015356.

Submission:

Color Diagnostics, LLC DBA Color Health
Classification: Uncertain significance for Hereditary cancer-predisposing syndrome. Last evaluated: 2023-12-05. Review status: criteria provided, single submitter. Criteria: ACMG Guidelines, 2015. Collection method: clinical testing. Allele origin: germline.
Comment: This missense variant replaces valine with leucine at codon 295 of the BAP1 protein. Computational prediction suggests that this variant may not impact protein structure and function (internally defined REVEL score threshold <= 0.5, PMID: 27666373). To our knowledge, functional studies have not been reported for this variant. This variant has not been reported in individuals affected with BAP1-related disorders in the literature. This variant has not been identified in the general population by the Genome Aggregation Database (gnomAD). The available evidence is insufficient to determine the role of this variant in disease conclusively. Therefore, this variant is classified as a Variant of Uncertain Significance.

NM_004656.4(BAP1):c.883G>C (p.Val295Leu)

Gene: BAP1 (BRCA1 associated deubiquitinase 1; minus strand). Cytogenetic location: 3p21.1.
Variant type: single nucleotide variant.
Coding change: c.883G>C on transcript NM_004656.4 (MANE Select); coding-DNA position 883, G replaced by C.
Protein change: p.Val295Leu; replaces valine 295 with leucine.
Molecular consequence: missense variant.
Genome position (GRCh38, 1-based): chr3:52,405,813, C>G on the plus strand (G>C on the coding strand, the complement: BAP1 is on the minus strand). VCF-style: chr3-52405813-C-G. GRCh37 (hg19) VCF-style: chr3-52439829-C-G.
Other names: short protein forms V295L.
Identifiers: ClinVar variation 490899 (VCV000490899.6), dbSNP rs746925345, ClinGen allele CA353106656.